The following is an entry in ClinVar:

ClinVar aggregate classification (germline): Uncertain significance. Review status: criteria provided, multiple submitters, no conflicts (2 of 4 stars). 2 submissions from 2 submitters: Uncertain significance (2). Last evaluated 2025-04-16.

Conditions:
Inborn genetic diseases. Identifiers: MedGen C0950123, MeSH D030342.

Allele frequency attached by ClinVar (database versions not stated): gnomAD exomes 0.00002; gnomAD 0.00003; TOPMed 0.00003; ExAC 0.00005; ESP Exome Variant Server 0.00008.
gnomAD v4.1: 39 of 1,613,714 alleles (0.0024%); highest among the groups gnomAD compares: South Asian, 0.0088%; no homozygotes.

Submissions (2):

Labcorp Genetics (formerly Invitae), Labcorp
Classification: Uncertain significance. Last evaluated: 2025-04-16. Review status: criteria provided, single submitter. Criteria: Invitae Variant Classification Sherloc (09022015). Collection method: clinical testing. Allele origin: germline.
Comment: This sequence change replaces serine, which is neutral and polar, with leucine, which is neutral and non-polar, at codon 621 of the FAT1 protein (p.Ser621Leu). This variant is present in population databases (rs370787232, gnomAD 0.004%). This variant has not been reported in the literature in individuals affected with FAT1-related conditions. ClinVar contains an entry for this variant (Variation ID: 2083607). Invitae Evidence Modeling of protein sequence and biophysical properties (such as structural, functional, and spatial information, amino acid conservation, physicochemical variation, residue mobility, and thermodynamic stability) indicates that this missense variant is not expected to disrupt FAT1 protein function with a negative predictive value of 80%. In summary, the available evidence is currently insufficient to determine the role of this variant in disease. Therefore, it has been classified as a Variant of Uncertain Significance.

Ambry Genetics
Classification: Uncertain significance for Inborn genetic diseases. Last evaluated: 2025-01-21. Review status: criteria provided, single submitter. Criteria: Ambry Variant Classification Scheme 2023. Collection method: clinical testing. Allele origin: germline.

NM_005245.4(FAT1):c.1862C>T (p.Ser621Leu)

Gene: FAT1 (FAT atypical cadherin 1; minus strand). Cytogenetic location: 4q35.2.
Variant type: single nucleotide variant.
Coding change: c.1862C>T on transcript NM_005245.4 (MANE Select); coding-DNA position 1862, C replaced by T.
Protein change: p.Ser621Leu; replaces serine 621 with leucine.
Molecular consequence: missense variant.
Genome position (GRCh38, 1-based): chr4:186,707,966, G>A on the plus strand (C>T on the coding strand, the complement: FAT1 is on the minus strand). VCF-style: chr4-186707966-G-A. GRCh37 (hg19) VCF-style: chr4-187629120-G-A.
Other names: c.1862C>T (NM_005245.3); short protein forms S621L.
Identifiers: ClinVar variation 2083607 (VCV002083607.5), dbSNP rs370787232, ClinGen allele CA3167370.